The following is an entry in ClinVar:

NM_001794.5(CDH4):c.1189-9A>G

Gene: CDH4 (cadherin 4; plus strand). Cytogenetic location: 20q13.33.
Variant type: single nucleotide variant.
Coding change: c.1189-9A>G on transcript NM_001794.5 (MANE Select); 9 bases into the intron before coding-DNA position 1189, A replaced by G.
Molecular consequence: intron variant.
Genome position (GRCh38, 1-based): chr20:61,910,413, A>G. VCF-style: chr20-61910413-A-G. GRCh37 (hg19) VCF-style: chr20-60485469-A-G.
Other names: c.1078-9A>G (NM_001252338.2); c.967-9A>G (NM_001252339.3).
Identifiers: ClinVar variation 3034780 (VCV003034780.2), dbSNP rs199603882, ClinGen allele CA9934650.

ClinVar aggregate classification (germline): Likely benign (0 of 4 stars; one submission).

Conditions:
CDH4-related disorder. Also called: CDH4-related condition.

Allele frequency attached by ClinVar (database versions not stated): 1000 Genomes Project 30x 0.00016; gnomAD 0.00017; gnomAD exomes 0.00018; 1000 Genomes Project 0.00020; ESP Exome Variant Server 0.00023; TOPMed 0.00028; ExAC 0.00030.
gnomAD v4.1: 312 of 1,610,376 alleles (0.019%); highest among the groups gnomAD compares: Admixed American, 0.032%; no homozygotes.

Submission:

PreventionGenetics, part of Exact Sciences
Classification: Likely benign for CDH4-related condition. Last evaluated: 2019-03-06. Review status: no assertion criteria provided. Collection method: clinical testing. Allele origin: germline.
Comment: This variant is classified as likely benign based on ACMG/AMP sequence variant interpretation guidelines (Richards et al. 2015 PMID: 25741868, with internal and published modifications).